The following is an entry in ClinVar:

NM_017849.4(TMEM127):c.98C>A (p.Ser33Ter)

Genes: TMEM127 (transmembrane protein 127; minus strand), LOC129934333 (ATAC-STARR-seq lymphoblastoid silent region 11759; plus strand). Cytogenetic location: 2q11.2.
Variant type: single nucleotide variant.
Coding change: c.98C>A on transcript NM_017849.4 (MANE Select); coding-DNA position 98, C replaced by A.
Protein change: p.Ser33Ter; replaces serine 33 with a stop codon.
Molecular consequence: nonsense. On other transcripts: intron variant (1).
Genome position (GRCh38, 1-based): chr2:96,265,284, G>T on the plus strand (C>A on the coding strand, the complement: TMEM127 is on the minus strand). VCF-style: chr2-96265284-G-T. GRCh37 (hg19) VCF-style: chr2-96931022-G-T.
Other names: c.98C>A, p.Ser33Ter (NM_001193304.3); c.-9+585C>A (NM_001407283.1); short protein forms S33*.
Identifiers: ClinVar variation 3457593 (VCV003457593.1).

ClinVar aggregate classification (germline): Likely pathogenic (1 of 4 stars; one submission).

Conditions:
Hereditary cancer-predisposing syndrome. Also called: Tumor predisposition; Neoplastic Syndromes, Hereditary; Hereditary neoplastic syndrome; Hereditary Cancer Syndrome. Identifiers: Orphanet 140162, MedGen C0027672, MeSH D009386, MONDO:0015356.

Submission:

Ambry Genetics
Classification: Likely pathogenic for Hereditary cancer-predisposing syndrome. Last evaluated: 2024-07-17. Review status: criteria provided, single submitter. Criteria: Ambry Variant Classification Scheme 2023. Collection method: clinical testing. Allele origin: germline.
Comment: The p.S33* variant (also known as c.98C>A), located in coding exon 1 of the TMEM127 gene, results from a C to A substitution at nucleotide position 98. This changes the amino acid from a serine to a stop codon within coding exon 1. The predicted stop codon occurs in the 5&rsquo; end of theTMEM127 gene. Premature termination codons in the 5&rsquo; end of a gene have been reported to escape nonsense-mediated mRNAdecay and/or lead to re-initiation (Rivas et al. Science. 2015 May 8;348(6235):666-9; Lindeboom et al. Nat Genet. 2016 Oct;48(10):1112-8; Rhee et al. Sci Rep. 2017 May 10;7(1):1653). Direct evidence for this alteration is unavailable, however premature termination codons are typically deleterious in nature. This variant is considered to be rare based on population cohorts in the Genome Aggregation Database (gnomAD). Based on the majority of available evidence to date, this variant is likely to be pathogenic.